The following is an entry in ClinVar:

ClinVar aggregate classification (germline): Uncertain significance (1 of 4 stars; one submission).

Allele frequency attached by ClinVar (database versions not stated): gnomAD exomes 0.00001.
gnomAD v4.1: 8 of 1,608,966 alleles (0.0005%); highest among the groups gnomAD compares: African/African-American, 0.0013%; no homozygotes.

Submission:

Women's Health and Genetics/Laboratory Corporation of America, LabCorp
Classification: Uncertain significance. Last evaluated: 2023-08-22. Review status: criteria provided, single submitter. Criteria: LabCorp Variant Classification Summary - May 2015. Collection method: clinical testing. Allele origin: germline.
Comment: Variant summary: ACTN1 c.2290G>A (p.Gly764Ser) results in a non-conservative amino acid change located in the EF-hand domain (IPR002048) of the encoded protein sequence. Five of five in-silico tools predict a damaging effect of the variant on protein function. The variant allele was found at a frequency of 4e-06 in 249626 control chromosomes (gnomAD). The available data on variant occurrences in the general population are insufficient to allow any conclusion about variant significance. c.2290G>A has been reported in the literature in one individual affected with Inherited thrombocytopenias (Bottega_2014). The report does not provide unequivocal conclusions about association of the variant with Platelet-Type Bleeding Disorder 15. To our knowledge, no experimental evidence demonstrating an impact on protein function has been reported. The following publications have been ascertained in the context of this evaluation (PMID: 25361813, 26312134). No submitters have cited clinical-significance assessments for this variant to ClinVar after 2014. Based on the evidence outlined above, the variant was classified as uncertain significance.

Literature cited by the submitters: PubMed 25361813; PubMed 26312134.

NM_001130004.2(ACTN1):c.2290G>A (p.Gly764Ser)

Gene: ACTN1 (actinin alpha 1; minus strand). Cytogenetic location: 14q24.1.
Variant type: single nucleotide variant.
Coding change: c.2290G>A on transcript NM_001130004.2 (MANE Select); coding-DNA position 2290, G replaced by A.
Protein change: p.Gly764Ser; replaces glycine 764 with serine.
Molecular consequence: missense variant. On other transcripts: intron variant (2).
Genome position (GRCh38, 1-based): chr14:68,879,060, C>T on the plus strand (G>A on the coding strand, the complement: ACTN1 is on the minus strand). VCF-style: chr14-68879060-C-T. GRCh37 (hg19) VCF-style: chr14-69345777-C-T.
Other names: c.2290G>A, p.Gly764Ser (NM_001102.4, NM_001424012.1); c.2095G>A, p.Gly699Ser (NM_001411036.1, NM_001424026.1); c.2416G>A, p.Gly806Ser (NM_001424013.1); c.2377G>A, p.Gly793Ser (NM_001424015.1); c.2314G>A, p.Gly772Ser (NM_001424016.1); c.2287G>A, p.Gly763Ser (NM_001424017.1); c.2251G>A, p.Gly751Ser (NM_001424018.1); c.2107G>A, p.Gly703Ser (NM_001424019.1, NM_001424024.1, NM_001424025.1); and 5 more; short protein forms G489S, G699S, G703S, G741S, G743S, G751S, G763S, G764S.
Identifiers: ClinVar variation 2581287 (VCV002581287.1), dbSNP rs1471335464, ClinGen allele CA390181487.